The following is an entry in ClinVar:

NM_024422.6(DSC2):c.2452A>G (p.Asn818Asp)

Gene: DSC2 (desmocollin 2; minus strand). Cytogenetic location: 18q12.1.
Variant type: single nucleotide variant.
Coding change: c.2452A>G on transcript NM_024422.6 (MANE Select); coding-DNA position 2452, A replaced by G.
Protein change: p.Asn818Asp; replaces asparagine 818 with aspartic acid.
Molecular consequence: missense variant.
Genome position (GRCh38, 1-based): chr18:31,068,950, T>C on the plus strand (A>G on the coding strand, the complement: DSC2 is on the minus strand). VCF-style: chr18-31068950-T-C. GRCh37 (hg19) VCF-style: chr18-28648916-T-C.
Other names: c.2452A>G, p.Asn818Asp (NM_004949.5); short protein forms N818D.
Identifiers: ClinVar variation 919815 (VCV000919815.8), dbSNP rs1454999415, ClinGen allele CA402111246.

ClinVar aggregate classification (germline): Uncertain significance. Review status: criteria provided, multiple submitters, no conflicts (2 of 4 stars). 2 submissions from 2 submitters: Uncertain significance (2). Last evaluated 2024-01-04.

Conditions:
Cardiomyopathy (CMYO). Also called: Cardiomyopathies. Identifiers: Orphanet 167848, MedGen C0878544, MONDO:0004994, HP:0001638. Inheritance: Various modes of inheritance.
Arrhythmogenic right ventricular dysplasia 11. Also called: ARRHYTHMOGENIC RIGHT VENTRICULAR DYSPLASIA, FAMILIAL, 11; Arrhythmogenic Right Ventricular Dysplasia/Cardiomyopathy11; Arrhythmogenic right ventricular dysplasia 11 with mild palmoplantar keratoderma and woolly hair. Identifiers: MedGen C1864850, MONDO:0012506, OMIM 610476.

Allele frequency attached by ClinVar (database versions not stated): TOPMed below 0.00001; gnomAD 0.00001.
gnomAD v4.1: 1 of 1,613,940 alleles (0.000062%); highest among the groups gnomAD compares: Non-Finnish European, 0.000085%; no homozygotes.

Submissions (2):

Labcorp Genetics (formerly Invitae), Labcorp
Classification: Uncertain significance for Arrhythmogenic right ventricular dysplasia 11. Last evaluated: 2024-01-04. Review status: criteria provided, single submitter. Criteria: Invitae Variant Classification Sherloc (09022015). Collection method: clinical testing. Allele origin: germline.
Comment: This sequence change replaces asparagine, which is neutral and polar, with aspartic acid, which is acidic and polar, at codon 818 of the DSC2 protein (p.Asn818Asp). This variant is not present in population databases (gnomAD no frequency). This variant has not been reported in the literature in individuals affected with DSC2-related conditions. ClinVar contains an entry for this variant (Variation ID: 919815). Advanced modeling of protein sequence and biophysical properties (such as structural, functional, and spatial information, amino acid conservation, physicochemical variation, residue mobility, and thermodynamic stability) performed at Invitae indicates that this missense variant is not expected to disrupt DSC2 protein function with a negative predictive value of 80%. In summary, the available evidence is currently insufficient to determine the role of this variant in disease. Therefore, it has been classified as a Variant of Uncertain Significance.

Color Diagnostics, LLC DBA Color Health
Classification: Uncertain significance for Cardiomyopathy. Last evaluated: 2023-12-05. Review status: criteria provided, single submitter. Criteria: ACMG Guidelines, 2015. Collection method: clinical testing. Allele origin: germline.
Comment: Variant of Uncertain Significance due to insufficient evidence: This missense variant is located in the cytoplasmic domain of the DSC2 protein. Computational prediction tools and conservation analyses suggest that this variant may not impact the protein function. Computational splicing tools suggest that this variant may not impact RNA splicing. To our knowledge, functional assays have not been performed for this variant nor has this variant been reported in individuals affected with cardiovascular disorders in the literature. This variant is rare in the general population and has been identified in 0/277264 chromosomes by the Genome Aggregation Database (gnomAD). Available evidence is insufficient to determine the pathogenicity of this variant conclusively.